The following is an entry in ClinVar:

NM_001009999.3(KDM1A):c.955A>T (p.Ser319Cys)

Gene: KDM1A (lysine demethylase 1A; plus strand). Cytogenetic location: 1p36.12.
Variant type: single nucleotide variant.
Coding change: c.955A>T on transcript NM_001009999.3 (MANE Select); coding-DNA position 955, A replaced by T.
Protein change: p.Ser319Cys; replaces serine 319 with cysteine.
Molecular consequence: missense variant.
Genome position (GRCh38, 1-based): chr1:23,056,003, A>T. VCF-style: chr1-23056003-A-T. GRCh37 (hg19) VCF-style: chr1-23382496-A-T.
Other names: c.895A>T, p.Ser299Cys (NM_001363654.2, NM_001410763.1, NM_015013.4); c.955A>T, p.Ser319Cys (NM_001410762.1); short protein forms S319C, S299C.
Identifiers: ClinVar variation 4042052 (VCV004042052.1).
Genomic context (GRCh38, chr1:23,056,003, plus strand): 5'-GGAAAGGTAATTATTATAGGCTCTGGGGTCTCAGGCTTGGCAGCAGCTCGACAGTTACAA[A>T]GTTTTGGAATGGATGTCACACTTTTGGAAGCCAGGGTAAGAATTTCATTTTGAGTTTAGA-3'
Protein context (NP_001009999.1, residues 309-329): SGLAAARQLQ[Ser319Cys]FGMDVTLLEA

ClinVar aggregate classification (germline): Uncertain significance (1 of 4 stars; one submission).

Conditions:
Inborn genetic diseases. Identifiers: MedGen C0950123, MeSH D030342.

gnomAD v4.1: 1 of 1,613,068 alleles (0.000062%); no homozygotes.

Submission:

Ambry Genetics
Classification: Uncertain significance for Inborn genetic diseases. Last evaluated: 2025-03-18. Review status: criteria provided, single submitter. Criteria: Ambry Variant Classification Scheme 2023. Collection method: clinical testing. Allele origin: germline.
Comment: The p.S319C variant (also known as c.955A>T), located in coding exon 7 of the KDM1A gene, results from an A to T substitution at nucleotide position 955. The serine at codon 319 is replaced by cysteine, an amino acid with dissimilar properties. This amino acid position is conserved. In addition, this alteration is predicted to be deleterious by in silico analysis. Based on the available evidence, the clinical significance of this variant remains unclear.